The following is an entry in ClinVar:

NM_000541.5(SAG):c.431G>A (p.Gly144Glu)

Gene: SAG (S-antigen visual arrestin; plus strand). Cytogenetic location: 2q37.1.
Variant type: single nucleotide variant.
Coding change: c.431G>A on transcript NM_000541.5 (MANE Select); coding-DNA position 431, G replaced by A.
Protein change: p.Gly144Glu; replaces glycine 144 with glutamic acid.
Molecular consequence: missense variant.
Genome position (GRCh38, 1-based): chr2:233,323,001, G>A. VCF-style: chr2-233323001-G-A. GRCh37 (hg19) VCF-style: chr2-234231647-G-A.
Other names: short protein forms G144E.
Identifiers: ClinVar variation 1426341 (VCV001426341.8), dbSNP rs767863753, ClinGen allele CA2174363.

ClinVar aggregate classification (germline): Uncertain significance (1 of 4 stars; one submission).

Allele frequency attached by ClinVar (database versions not stated): gnomAD 0.00002; TOPMed 0.00002; ExAC 0.00003.
gnomAD v4.1: 45 of 1,564,016 alleles (0.0029%); highest among the groups gnomAD compares: Non-Finnish European, 0.0033%; no homozygotes.

Submission:

Labcorp Genetics (formerly Invitae), Labcorp
Classification: Uncertain significance. Last evaluated: 2022-10-05. Review status: criteria provided, single submitter. Criteria: Invitae Variant Classification Sherloc (09022015). Collection method: clinical testing. Allele origin: germline.
Comment: This sequence change replaces glycine, which is neutral and non-polar, with glutamic acid, which is acidic and polar, at codon 144 of the SAG protein (p.Gly144Glu). In summary, the available evidence is currently insufficient to determine the role of this variant in disease. Therefore, it has been classified as a Variant of Uncertain Significance. Advanced modeling of protein sequence and biophysical properties (such as structural, functional, and spatial information, amino acid conservation, physicochemical variation, residue mobility, and thermodynamic stability) performed at Invitae indicates that this missense variant is not expected to disrupt SAG protein function. ClinVar contains an entry for this variant (Variation ID: 1426341). This variant has not been reported in the literature in individuals affected with SAG-related conditions. The frequency data for this variant in the population databases is considered unreliable, as metrics indicate poor data quality at this position in the gnomAD database.